The following is an entry in ClinVar:

NM_000574.5(CD55):c.668T>A (p.Ile223Asn)

Gene: CD55 (CD55 molecule (Cromer blood group); plus strand). Cytogenetic location: 1q32.2.
Variant type: single nucleotide variant.
Coding change: c.668T>A on transcript NM_000574.5 (MANE Select); coding-DNA position 668, T replaced by A.
Protein change: p.Ile223Asn; replaces isoleucine 223 with asparagine.
Molecular consequence: missense variant. On other transcripts: non-coding transcript variant (1).
Genome position (GRCh38, 1-based): chr1:207,331,111, T>A. VCF-style: chr1-207331111-T-A. GRCh37 (hg19) VCF-style: chr1-207504456-T-A.
Other names: c.668T>A (NM_000574.4); c.668T>A, p.Ile223Asn (NM_001114752.3, NM_001300902.2, NM_001300903.2 and 1 more transcripts); short protein forms I223N.
Identifiers: ClinVar variation 1598647 (VCV001598647.10), dbSNP rs551629921, ClinGen allele CA1368074.

ClinVar aggregate classification (germline): Benign. Review status: criteria provided, single submitter (1 of 4 stars). 2 submissions from 2 submitters: Benign (1). 1 of the submissions does not count toward it. Last evaluated 2025-11-05.

Conditions:
CD55-related disorder. Also called: CD55-related condition.

Allele frequency attached by ClinVar (database versions not stated): gnomAD 0.00001 and 0.00015; TOPMed 0.00002; gnomAD exomes 0.00018 and 0.00040; ExAC 0.00054; 1000 Genomes Project 30x 0.00234; 1000 Genomes Project 0.00260.
gnomAD v4.1: 290 of 1,595,146 alleles (0.018%); highest among the groups gnomAD compares: South Asian, 0.31%; 8 homozygotes.

Submissions (2):

Labcorp Genetics (formerly Invitae), Labcorp
Classification: Benign. Last evaluated: 2025-11-05. Review status: criteria provided, single submitter. Criteria: Invitae Variant Classification Sherloc (09022015). Collection method: clinical testing. Allele origin: germline.

PreventionGenetics, part of Exact Sciences
Classification: Likely benign for CD55-related condition. Last evaluated: 2023-06-23. Review status: no assertion criteria provided. Collection method: clinical testing. Allele origin: germline. Not counted in ClinVar's aggregate classification.
Comment: This variant is classified as likely benign based on ACMG/AMP sequence variant interpretation guidelines (Richards et al. 2015 PMID: 25741868, with internal and published modifications).